The following is an entry in ClinVar:

NM_003738.5(PTCH2):c.2411G>A (p.Arg804His)

Gene: PTCH2 (patched 2; minus strand). Cytogenetic location: 1p34.1.
Variant type: single nucleotide variant.
Coding change: c.2411G>A on transcript NM_003738.5 (MANE Select); coding-DNA position 2411, G replaced by A.
Protein change: p.Arg804His; replaces arginine 804 with histidine.
Molecular consequence: missense variant.
Genome position (GRCh38, 1-based): chr1:44,827,270, C>T on the plus strand (G>A on the coding strand, the complement: PTCH2 is on the minus strand). VCF-style: chr1-44827270-C-T. GRCh37 (hg19) VCF-style: chr1-45292942-C-T.
Other names: c.2411G>A, p.Arg804His (NM_001166292.2); short protein forms R804H.
Identifiers: ClinVar variation 1498280 (VCV001498280.8), dbSNP rs770837969, ClinGen allele CA823016.

ClinVar aggregate classification (germline): Uncertain significance (1 of 4 stars; one submission).

Conditions:
Gorlin syndrome. Also called: Nevoid Basal Cell Carcinoma Syndrome; Basal cell nevus syndrome. Identifiers: Orphanet 377, MedGen C0004779, MONDO:0007187.

Allele frequency attached by ClinVar (database versions not stated): TOPMed 0.00002.
gnomAD v4.1: 56 of 1,613,908 alleles (0.0035%); highest among the groups gnomAD compares: South Asian, 0.022%; no homozygotes.

Submission:

Labcorp Genetics (formerly Invitae), Labcorp
Classification: Uncertain significance for Gorlin syndrome. Last evaluated: 2021-01-22. Review status: criteria provided, single submitter. Criteria: Invitae Variant Classification Sherloc (09022015). Collection method: clinical testing. Allele origin: germline.
Comment: In summary, the available evidence is currently insufficient to determine the role of this variant in disease. Therefore, it has been classified as a Variant of Uncertain Significance. Algorithms developed to predict the effect of missense changes on protein structure and function output the following: SIFT: "Deleterious"; PolyPhen-2: "Benign"; Align-GVGD: "Class C0". The histidine amino acid residue is found in multiple mammalian species, suggesting that this missense change does not adversely affect protein function. These predictions have not been confirmed by published functional studies and their clinical significance is uncertain. This variant has not been reported in the literature in individuals with PTCH2-related conditions. This variant is present in population databases (rs770837969, ExAC 0.04%). This sequence change replaces arginine with histidine at codon 804 of the PTCH2 protein (p.Arg804His). The arginine residue is moderately conserved and there is a small physicochemical difference between arginine and histidine.